The following is an entry in ClinVar:

ClinVar aggregate classification (germline): Pathogenic/Likely pathogenic. Review status: criteria provided, multiple submitters, no conflicts (2 of 4 stars). 2 submissions from 2 submitters: Pathogenic (1); Likely pathogenic (1). Last evaluated 2025-07-31.

Conditions:
Usher syndrome type 1 (USH1). Also called: RETINITIS PIGMENTOSA AND CONGENITAL DEAFNESS. Identifiers: Orphanet 231169, Orphanet 886, MedGen C1568247, MONDO:0010168, OMIM 276900.

Submissions (2):

Natera, Inc.
Classification: Likely pathogenic for Usher syndrome type 1. Last evaluated: 2025-07-31. Review status: criteria provided, single submitter. Criteria: Natera Variant Classification Schema (03/2026). Collection method: clinical testing. Allele origin: germline.
Comment: The c.8343_8346dupCGAT variant in CDH23 is a frameshift variant predicted to shift the reading frame beginning at codon 2783 and leads to a stop codon 45 codons downstream. This variant is expected to result in nonsense mediated decay, truncation, or a dysfunctional protein product. This variant is rare in the general population with a frequency below the threshold expected for the associated phenotype(s). Given the available evidence, this variant is classified as Likely Pathogenic.

Labcorp Genetics (formerly Invitae), Labcorp
Classification: Pathogenic. Last evaluated: 2022-03-03. Review status: criteria provided, single submitter. Criteria: Invitae Variant Classification Sherloc (09022015). Collection method: clinical testing. Allele origin: germline.
Comment: This sequence change creates a premature translational stop signal (p.Gly2783Argfs*45) in the CDH23 gene. It is expected to result in an absent or disrupted protein product. Loss-of-function variants in CDH23 are known to be pathogenic (PMID: 11138009, 21940737). This variant is not present in population databases (gnomAD no frequency). This variant has not been reported in the literature in individuals affected with CDH23-related conditions. ClinVar contains an entry for this variant (Variation ID: 1075704). For these reasons, this variant has been classified as Pathogenic.

Literature cited by the submitters: PubMed 11138009 (cited by Labcorp Genetics (formerly Invitae), Labcorp); PubMed 21940737 (cited by Labcorp Genetics (formerly Invitae), Labcorp).

NM_022124.6(CDH23):c.8343_8346dup (p.Gly2783fs)

Gene: CDH23 (cadherin related 23; plus strand). Cytogenetic location: 10q22.1.
Variant type: Duplication.
Coding change: c.8343_8346dup on transcript NM_022124.6 (MANE Select); coding-DNA positions 8343 to 8346, 4 bases duplicated (CGAT; older notation c.8343_8346dupCGAT).
Protein change: p.Gly2783fs; shifts the reading frame from glycine 2783.
Molecular consequence: frameshift variant.
Genome position (GRCh38, 1-based): chr10:71,807,550-71,807,553, CGAT duplicated. VCF-style (leftmost placement, unchanged base first): chr10-71807549-C-CCGAT. GRCh37 (hg19) VCF-style: chr10-73567306-C-CCGAT.
Other names: c.8343_8346dupCGAT (NM_022124.5); c.1623_1626dup, p.Gly543fs (NM_001171933.1, NM_001171934.1); short protein forms G2783fs, G543fs.
Identifiers: ClinVar variation 1075704 (VCV001075704.8), dbSNP rs2132988732, ClinGen allele CA470282397.
Genomic context (GRCh38, chr10:71,807,549, plus strand): 5'-CACCCTGTGCCATGATCCCACCCTCAGCCGGCAACGAAGAGAAGAACTTCCATCTGCAGC[C>CCGAT]CGATGGGTGTCTGCTGGTGCTGCGGGACCTGGACCGGGAGCGAGAAGCCATCTTCTCCTT-3'